The following is an entry in ClinVar:

NM_014159.7(SETD2):c.2405CTT[1] (p.Ser803del)

Gene: SETD2 (SET domain containing 2, histone lysine methyltransferase; minus strand). Cytogenetic location: 3p21.31.
Variant type: Microsatellite.
Coding change: c.2405CTT[1] on transcript NM_014159.7 (MANE Select); one copy of the 3-base unit CTT starting at c.2405; the reference has two copies in a row; one copy, 3 bases deleted; also written c.2408_2410del.
Protein change: p.Ser803del; deletes serine 803.
Molecular consequence: inframe indel (on NM_014159.6). On other transcripts: non-coding transcript variant (1).
Genome position (GRCh38, 1-based): chr3:47,122,226-47,122,228, AAG deleted on the plus strand (CTT on the coding strand, the reverse complement: SETD2 is on the minus strand); deleting any 3 consecutive bases within chr3:47,122,226-47,122,231 gives the same sequence; the position shown is the placement nearest the transcript's 3' end. VCF-style (leftmost placement, unchanged base first): chr3-47122225-AAAG-A. GRCh37 (hg19) VCF-style: chr3-47163715-AAAG-A.
Other names: c.2273CTT[1], p.Ser759del (NM_001349370.3); c.2405_2407CTT[1], p.Ser803del (NM_014159.6); c.2408_2410del (NM_014159.6); short protein forms S759del, S803del.
Identifiers: ClinVar variation 4540244 (VCV004540244.1).

ClinVar aggregate classification (germline): Uncertain significance (1 of 4 stars; one submission).

Submission:

GeneDx
Classification: Uncertain significance. Last evaluated: 2025-06-24. Review status: criteria provided, single submitter. Criteria: GeneDx Variant Classification Process June 2021. Collection method: clinical testing. Allele origin: germline. Affected: yes.
Comment: In-frame deletion of 1 amino acid in a non-repeat region; Not observed at significant frequency in large population cohorts (gnomAD); In silico analysis suggests that this variant does not alter protein structure/function; Has not been previously published as pathogenic or benign to our knowledge